The following is an entry in ClinVar:

ClinVar aggregate classification (germline): Uncertain significance (1 of 4 stars; one submission).

Conditions:
Hereditary cancer-predisposing syndrome. Also called: Neoplastic Syndromes, Hereditary; Tumor predisposition; Hereditary Cancer Syndrome; Hereditary neoplastic syndrome. Identifiers: Orphanet 140162, MedGen C0027672, MeSH D009386, MONDO:0015356.

Submission:

Ambry Genetics
Classification: Uncertain significance for Hereditary cancer-predisposing syndrome. Last evaluated: 2026-03-25. Review status: criteria provided, single submitter. Criteria: Ambry Variant Classification Scheme 2023. Collection method: clinical testing. Allele origin: germline.
Comment: The c.1140+4A>G intronic variant results from an A to G substitution 4 nucleotides after coding exon 7 in the BRIP1 gene. This nucleotide position is highly conserved in available vertebrate species. In silico splice site analysis predicts that this alteration will weaken the native splice donor site. Based on the available evidence, the clinical significance of this variant remains unclear.

NM_032043.3(BRIP1):c.1140+4A>G

Gene: BRIP1 (BRCA1 interacting DNA helicase 1; minus strand). Cytogenetic location: 17q23.2.
Variant type: single nucleotide variant.
Coding change: c.1140+4A>G on transcript NM_032043.3 (MANE Select); 4 bases into the intron after coding-DNA position 1140, A replaced by G.
Molecular consequence: intron variant.
Genome position (GRCh38, 1-based): chr17:61,801,249, T>C on the plus strand (A>G on the coding strand, the complement: BRIP1 is on the minus strand). VCF-style: chr17-61801249-T-C. GRCh37 (hg19) VCF-style: chr17-59878610-T-C.
Identifiers: ClinVar variation 4867906 (VCV004867906.1).